The following is an entry in ClinVar:

NM_000088.4(COL1A1):c.29T>C (p.Leu10Pro)

Gene: COL1A1 (collagen type I alpha 1 chain; minus strand). Cytogenetic location: 17q21.33.
Variant type: single nucleotide variant.
Coding change: c.29T>C on transcript NM_000088.4 (MANE Select); coding-DNA position 29, T replaced by C.
Protein change: p.Leu10Pro; replaces leucine 10 with proline.
Molecular consequence: missense variant.
Genome position (GRCh38, 1-based): chr17:50,201,485, A>G on the plus strand (T>C on the coding strand, the complement: COL1A1 is on the minus strand). VCF-style: chr17-50201485-A-G. GRCh37 (hg19) VCF-style: chr17-48278846-A-G.
Other names: short protein forms L10P.
Identifiers: ClinVar variation 2913793 (VCV002913793.3), dbSNP rs1265184237, ClinGen allele CA400230446.

ClinVar aggregate classification (germline): Uncertain significance (1 of 4 stars; one submission).

Conditions:
Osteogenesis imperfecta type I (OI1). Also called: Classic Non-deforming Osteogenesis Imperfecta with Blue Sclerae; OI, TYPE I; OSTEOGENESIS IMPERFECTA TARDA; OSTEOGENESIS IMPERFECTA WITH BLUE SCLERAE; Osteogenesis imperfecta type 1; Lobstein's Disease. Identifiers: Orphanet 216796, Orphanet 666, MedGen C0023931, MONDO:0008146, OMIM 166200. Disease mechanism: loss of function.

Allele frequency attached by ClinVar (database versions not stated): gnomAD exomes below 0.00001; TOPMed below 0.00001; gnomAD 0.00001.
gnomAD v4.1: 4 of 1,612,370 alleles (0.00025%); highest among the groups gnomAD compares: Non-Finnish European, 0.00034%; no homozygotes.

Submission:

Labcorp Genetics (formerly Invitae), Labcorp
Classification: Uncertain significance for Osteogenesis imperfecta type I. Last evaluated: 2026-01-13. Review status: criteria provided, single submitter. Criteria: Invitae Variant Classification Sherloc (09022015). Collection method: clinical testing. Allele origin: germline.
Comment: This sequence change replaces leucine, which is neutral and non-polar, with proline, which is neutral and non-polar, at codon 10 of the COL1A1 protein (p.Leu10Pro). This variant is not present in population databases (gnomAD no frequency). This variant has not been reported in the literature in individuals affected with COL1A1-related conditions. ClinVar contains an entry for this variant (Variation ID: 2913793). Invitae Evidence Modeling of protein sequence and biophysical properties (such as structural, functional, and spatial information, amino acid conservation, physicochemical variation, residue mobility, and thermodynamic stability) indicates that this missense variant is not expected to disrupt COL1A1 protein function with a negative predictive value of 95%. In summary, the available evidence is currently insufficient to determine the role of this variant in disease. Therefore, it has been classified as a Variant of Uncertain Significance.